The following is an entry in ClinVar:

NM_001114753.3(ENG):c.991+21_991+26dup

Gene: ENG (endoglin; minus strand). Cytogenetic location: 9q34.11.
Variant type: Duplication.
Coding change: c.991+21_991+26dup on transcript NM_001114753.3 (MANE Select); bases 21 to 26 of the intron after coding-DNA position 991, 6 bases duplicated (CCTCCC; older notation c.991+21_991+26dupCCTCCC).
Molecular consequence: intron variant.
Genome position (GRCh38, 1-based): chr9:127,824,774-127,824,779, GGGAGG duplicated on the plus strand (CCTCCC on the coding strand, the reverse complement: ENG is on the minus strand); duplicating any 6 consecutive bases within chr9:127,824,774-127,824,781 gives the same sequence; the c. name uses the placement nearest the transcript's 3' end. VCF-style (leftmost placement, unchanged base first): chr9-127824773-A-AGGGAGG. GRCh37 (hg19) VCF-style: chr9-130587052-A-AGGGAGG.
Other names: c.991+21_991+26dup (NM_000118.4, NM_001406715.1); c.445+21_445+26dup (NM_001278138.2).
Identifiers: ClinVar variation 213201 (VCV000213201.3), dbSNP rs148063362, ClinGen allele CA321260.

ClinVar aggregate classification (germline): Benign (1 of 4 stars; one submission).

Submission:

GeneDx
Classification: Benign. Last evaluated: 2015-05-04. Review status: criteria provided, single submitter. Criteria: GeneDx Variant Classification (06012015). Collection method: clinical testing. Allele origin: germline. Affected: yes.
Comment: This variant was found in PAH-PANCARD,HHT-PANCARD,HHT-ARRHYTHMIA,PAH-ARRHYTHMIA